The following is an entry in ClinVar:

ClinVar aggregate classification (germline): Uncertain significance. Review status: criteria provided, multiple submitters, no conflicts (2 of 4 stars). 4 submissions from 4 submitters: Uncertain significance (4). Last evaluated 2025-10-14.

Conditions:
Senior-Loken syndrome 7 (SLSN7). Identifiers: Orphanet 3156, MedGen C3150877, MONDO:0013326, OMIM 613615.
Bardet-Biedl syndrome 16 (BBS16). Identifiers: Orphanet 110, MedGen C3889474, MONDO:0014444, OMIM 615993.
Inborn genetic diseases. Identifiers: MedGen C0950123, MeSH D030342.

Allele frequency attached by ClinVar (database versions not stated): ExAC 0.00001; gnomAD exomes 0.00001; TOPMed 0.00001.
gnomAD v4.1: 4 of 1,614,036 alleles (0.00025%); highest among the groups gnomAD compares: Admixed American, 0.0033%; no homozygotes.

Submissions (4):

Ambry Genetics
Classification: Uncertain significance for Inborn genetic diseases. Last evaluated: 2025-10-14. Review status: criteria provided, single submitter. Criteria: Ambry Variant Classification Scheme 2023. Collection method: clinical testing. Allele origin: germline.

Mayo Clinic Laboratories, Mayo Clinic
Classification: Uncertain significance. Last evaluated: 2025-08-06. Review status: criteria provided, single submitter. Criteria: ACMG Guidelines, 2015. Collection method: clinical testing. Allele origin: germline. Observed: 1 variant allele.
Comment: BP4_moderate, PM2_supporting

Labcorp Genetics (formerly Invitae), Labcorp
Classification: Uncertain significance for Bardet-Biedl syndrome 16; Senior-Loken syndrome 7. Last evaluated: 2025-04-21. Review status: criteria provided, single submitter. Criteria: Invitae Variant Classification Sherloc (09022015). Collection method: clinical testing. Allele origin: germline.
Comment: This sequence change replaces arginine, which is basic and polar, with lysine, which is basic and polar, at codon 476 of the SDCCAG8 protein (p.Arg476Lys). This variant is present in population databases (rs761873846, gnomAD 0.003%). This variant has not been reported in the literature in individuals affected with SDCCAG8-related conditions. ClinVar contains an entry for this variant (Variation ID: 857829). Invitae Evidence Modeling of protein sequence and biophysical properties (such as structural, functional, and spatial information, amino acid conservation, physicochemical variation, residue mobility, and thermodynamic stability) indicates that this missense variant is not expected to disrupt SDCCAG8 protein function with a negative predictive value of 80%. In summary, the available evidence is currently insufficient to determine the role of this variant in disease. Therefore, it has been classified as a Variant of Uncertain Significance.

Fulgent Genetics
Classification: Uncertain significance for Senior-Loken syndrome 7; Bardet-Biedl syndrome 16. Last evaluated: 2024-02-09. Review status: criteria provided, single submitter. Criteria: ACMG Guidelines, 2015. Collection method: clinical testing. Allele origin: germline.

NM_006642.5(SDCCAG8):c.1427G>A (p.Arg476Lys)

Gene: SDCCAG8 (SHH signaling and ciliogenesis regulator SDCCAG8; plus strand). Cytogenetic location: 1q43.
Variant type: single nucleotide variant.
Coding change: c.1427G>A on transcript NM_006642.5 (MANE Select); coding-DNA position 1427, G replaced by A.
Protein change: p.Arg476Lys; replaces arginine 476 with lysine.
Molecular consequence: missense variant.
Genome position (GRCh38, 1-based): chr1:243,344,285, G>A. VCF-style: chr1-243344285-G-A. GRCh37 (hg19) VCF-style: chr1-243507587-G-A.
Other names: p.Arg476Lys; c.524G>A, p.Arg175Lys (NM_001350246.2, NM_001350247.2, NM_001350251.2); c.1523G>A, p.Arg508Lys (NM_001350248.2); c.1133G>A, p.Arg378Lys (NM_001350249.2); short protein forms R476K, R508K, R175K, R378K.
Identifiers: ClinVar variation 857829 (VCV000857829.12), dbSNP rs761873846, ClinGen allele CA1483641.